The following is an entry in ClinVar:

NM_002637.4(PHKA1):c.2384A>T (p.Asn795Ile)

Gene: PHKA1 (phosphorylase kinase regulatory subunit alpha 1; minus strand). Cytogenetic location: Xq13.1.
Variant type: single nucleotide variant.
Coding change: c.2384A>T on transcript NM_002637.4 (MANE Select); coding-DNA position 2384, A replaced by T.
Protein change: p.Asn795Ile; replaces asparagine 795 with isoleucine.
Molecular consequence: missense variant.
Genome position (GRCh38, 1-based): chrX:72,611,170, T>A on the plus strand (A>T on the coding strand, the complement: PHKA1 is on the minus strand). VCF-style: chrX-72611170-T-A. GRCh37 (hg19) VCF-style: chrX-71831020-T-A.
Other names: c.2384A>T, p.Asn795Ile (NM_001122670.2); c.2207A>T, p.Asn736Ile (NM_001172436.2); short protein forms N736I, N795I.
Identifiers: ClinVar variation 2760208 (VCV002760208.3), dbSNP rs2522445625, ClinGen allele CA413590288.

ClinVar aggregate classification (germline): Uncertain significance (1 of 4 stars; one submission).

Conditions:
Glycogen storage disease IXd (GSD9D). Also called: GSD IXd; Muscle Phosphorylase Kinase Deficiency. Identifiers: Orphanet 715, MedGen C1845151, MONDO:0010362, OMIM 300559.

Submission:

Labcorp Genetics (formerly Invitae), Labcorp
Classification: Uncertain significance for Glycogen storage disease IXd. Last evaluated: 2024-11-05. Review status: criteria provided, single submitter. Criteria: Invitae Variant Classification Sherloc (09022015). Collection method: clinical testing. Allele origin: germline.
Comment: This sequence change replaces asparagine, which is neutral and polar, with isoleucine, which is neutral and non-polar, at codon 795 of the PHKA1 protein (p.Asn795Ile). This variant is not present in population databases (gnomAD no frequency). This variant has not been reported in the literature in individuals affected with PHKA1-related conditions. ClinVar contains an entry for this variant (Variation ID: 2760208). Invitae Evidence Modeling of protein sequence and biophysical properties (such as structural, functional, and spatial information, amino acid conservation, physicochemical variation, residue mobility, and thermodynamic stability) indicates that this missense variant is expected to disrupt PHKA1 protein function with a positive predictive value of 80%. In summary, the available evidence is currently insufficient to determine the role of this variant in disease. Therefore, it has been classified as a Variant of Uncertain Significance.